The following is an entry in ClinVar:

ClinVar aggregate classification (germline): Pathogenic (1 of 4 stars; one submission).

Conditions:
Tuberous sclerosis syndrome (TSC). Also called: Tuberous Sclerosis Complex; Tuberous sclerosis. Identifiers: Orphanet 805, MedGen C0041341, MONDO:0001734.

Submission:

Cambridge Genomics Laboratory, East Genomic Laboratory Hub, NHS Genomic Medicine Service
Classification: Pathogenic for Tuberous sclerosis. Last evaluated: 2025-10-01. Review status: criteria provided, single submitter. Criteria: ACGS Best Practice Guidelines for Variant Classification in Rare Disease 2020. Collection method: clinical testing. Allele origin: germline. Affected: yes.
Comment: PVS1,PM2,PP4

NM_000368.5(TSC1):c.1757del (p.Cys586fs)

Gene: TSC1 (TSC complex subunit 1; minus strand). Cytogenetic location: 9q34.13.
Variant type: Deletion.
Coding change: c.1757del on transcript NM_000368.5 (MANE Select); coding-DNA position 1757, one base deleted (G; older notation c.1757delG).
Protein change: p.Cys586fs; shifts the reading frame from cysteine 586.
Molecular consequence: frameshift variant. On other transcripts: non-coding transcript variant (5).
Genome position (GRCh38, 1-based): chr9:132,905,821, C deleted on the plus strand (G on the coding strand, the reverse complement: TSC1 is on the minus strand). VCF-style (leftmost placement, unchanged base first): chr9-132905820-AC-A. GRCh37 (hg19) VCF-style: chr9-135781207-AC-A.
Other names: c.1391del, p.Cys464fs (NM_001406622.1, NM_001406623.1, NM_001406625.1 and 2 more transcripts); c.1394del, p.Cys465fs (NM_001406624.1, NM_001362177.2, NM_001406614.1 and 5 more transcripts); c.806del, p.Cys269fs (NM_001406626.1); c.803del, p.Cys268fs (NM_001406627.1, NM_001406628.1); c.704del, p.Cys235fs (NM_001406629.1, NM_001406630.1); c.1754del, p.Cys585fs (NM_001162426.2, NM_001406597.1, NM_001406598.1 and 6 more transcripts); c.1604del, p.Cys535fs (NM_001162427.2, NM_001406610.1); c.1757del, p.Cys586fs (NM_001406592.1, NM_001406593.1, NM_001406594.1 and 7 more transcripts); and 1 more; short protein forms C269fs, C586fs, C465fs, C585fs, C235fs, C534fs, C535fs, C268fs.
Identifiers: ClinVar variation 4540607 (VCV004540607.1).